The following is an entry in ClinVar:

NM_004813.4(PEX16):c.*65T>C

Gene: PEX16 (peroxisomal biogenesis factor 16; minus strand). Cytogenetic location: 11p11.2.
Variant type: single nucleotide variant.
Coding change: c.*65T>C on transcript NM_004813.4 (MANE Select); 65 bases downstream of the stop codon, T replaced by C.
Molecular consequence: 3 prime UTR variant. On other transcripts: intron variant (1).
Genome position (GRCh38, 1-based): chr11:45,910,189, A>G on the plus strand (T>C on the coding strand, the complement: PEX16 is on the minus strand). VCF-style: chr11-45910189-A-G. GRCh37 (hg19) VCF-style: chr11-45931740-A-G.
Other names: p.?; c.953-12T>C (NM_057174.3, NM_057174.2).
Identifiers: ClinVar variation 304785 (VCV000304785.9), dbSNP rs16938413, ClinGen allele CA5959700.
Genomic context (GRCh38, chr11:45,910,189, plus strand): 5'-TGTGTGTGGGGCCTGGCCGGTAGGCACGGAGAGGCCGCACGCTGGGACGCTGCCGGAGTC[A>G]GTTTTATTAGGGAAGAGGGGCTCCCTGCCCCACCCCTCCCCACACCCTCCTTCCGGGAGG-3'

ClinVar aggregate classification (germline): Benign/Likely benign. Review status: criteria provided, multiple submitters, no conflicts (2 of 4 stars). 5 submissions from 5 submitters: Benign (1); Likely benign (4). Last evaluated 2021-10-08.

Conditions:
Peroxisome biogenesis disorder 8A (Zellweger). Also called: Peroxisome biogenesis disorder 8A. Identifiers: Orphanet 912, MedGen C3553959, MONDO:0013942, OMIM 614876.
Peroxisome biogenesis disorder 8B (PBD8B). Identifiers: Orphanet 44, MedGen C3553960, MONDO:0013943, OMIM 614877.

Allele frequency attached by ClinVar (database versions not stated): gnomAD exomes 0.00143 and 0.00278; gnomAD 0.00740 and 0.00789; ExAC 0.00290; ESP Exome Variant Server 0.00746; 1000 Genomes Project 0.00839; TOPMed 0.00868; 1000 Genomes Project 30x 0.00999.
gnomAD v4.1: 3,392 of 1,612,798 alleles (0.21%); highest among the groups gnomAD compares: African/African-American, 2.2%; 32 homozygotes.

Submissions (5):

Fulgent Genetics
Classification: Likely benign for Peroxisome biogenesis disorder 8A (Zellweger); Peroxisome biogenesis disorder 8B. Last evaluated: 2021-10-08. Review status: criteria provided, single submitter. Criteria: ACMG Guidelines, 2015. Collection method: clinical testing. Allele origin: unknown.

Mayo Clinic Laboratories, Mayo Clinic
Classification: Benign. Last evaluated: 2021-06-29. Review status: criteria provided, single submitter. Criteria: ACMG Guidelines, 2015. Collection method: clinical testing. Allele origin: germline. Observed: 7 variant alleles.

GeneDx
Classification: Likely benign. Last evaluated: 2021-06-01. Review status: criteria provided, single submitter. Criteria: GeneDx Variant Classification Process June 2021. Collection method: clinical testing. Allele origin: germline. Affected: yes.

Illumina Laboratory Services, Illumina
Classification: Likely benign for Peroxisome biogenesis disorder 8A (Zellweger). Last evaluated: 2018-01-13. Review status: criteria provided, single submitter. Criteria: ICSL Variant Classification Criteria 13 December 2019. Collection method: clinical testing. Allele origin: germline.
Comment: This variant was observed in the ICSL laboratory as part of a predisposition screen in an ostensibly healthy population. It had not been previously curated by ICSL or reported in the Human Gene Mutation Database (HGMD: prior to June 1st, 2018), and was therefore a candidate for classification through an automated scoring system. Utilizing variant allele frequency, disease prevalence and penetrance estimates, and inheritance mode, an automated score was calculated to assess if this variant is too frequent to cause the disease. Based on the score and internal cut-off values, a variant classified as likely benign is not then subjected to further curation. The score for this variant resulted in a classification of likely benign for this disease.

Breakthrough Genomics
Classification: Likely benign. Review status: criteria provided, single submitter. Criteria: ACMG Guidelines, 2015. Collection method: not provided. Allele origin: germline. Inheritance: Autosomal recessive inheritance. Affected: yes.